The following is an entry in ClinVar:

ClinVar aggregate classification (germline): Likely pathogenic. Review status: reviewed by expert panel (3 of 4 stars). 6 submissions from 6 submitters: Likely pathogenic (1). 5 of the submissions do not count toward it. Last evaluated 2022-12-14.

Conditions:
Very long chain acyl-CoA dehydrogenase deficiency (ACADVLD). Also called: VLCAD Deficiency; Very Long-Chain Acyl-Coenzyme A Dehydrogenase Deficiency. Identifiers: Orphanet 26793, MedGen C3887523, MONDO:0008723, OMIM 201475.
ACADVL-related disorder. Also called: ACADVL-related condition.

Allele frequency attached by ClinVar (database versions not stated): gnomAD 0.00001; ExAC 0.00002; gnomAD exomes below 0.00001.

Submissions (6):

ClinGen ACADVL Variant Curation Expert Panel, ClinGen
Classification: Likely pathogenic for Very long chain acyl-CoA dehydrogenase deficiency. Last evaluated: 2022-12-14. Review status: reviewed by expert panel. Criteria: clingen acadvl acmg specifications v1. Collection method: curation. Allele origin: germline. Inheritance: Autosomal recessive inheritance.
Comment: The c.652_682dup (p.Ile228ArgfsTer35) variant in ACADVL is a nonsense variant predicted to cause a premature stop codon in biologically-relevant-exon 9/20 leading to nonsense mediated decay in a gene in which loss-of-function is an established disease mechanism (PVS1; PMIDs 9973285, 11590124). This variant is absent from gnomAD v2.1.1 (PM2_Supporting). The ACADVL Variant Curation Expert Panel VCEP classified the variant as likely pathogenic based on PVS1+PM2_supporting. In summary, this variant meets the criteria to be classified as likely pathogenic for autosomal recessive very long chain acyl-CoA dehydrogenase (VLCAD) deficiency based on the ACMG/AMP criteria applied, as specified by the ClinGen ACADVL Variant Curation Expert Panel: PM2_supporting, PVS1 (ACADVL VCEP specifications version 1; approved November 8, 2021).

PreventionGenetics, part of Exact Sciences
Classification: Pathogenic for ACADVL-related condition. Last evaluated: 2026-06-30. Review status: criteria provided, single submitter. Criteria: ACMG Guidelines, 2015. Collection method: clinical testing. Allele origin: germline. Not counted in ClinVar's aggregate classification.
Comment: The ACADVL c.652_682dup31 variant is predicted to result in a frameshift and premature protein termination (p.Ile228Argfs*35). To our knowledge, this variant has not been reported in the literature. This variant is reported in 0.0062% of alleles in individuals of African descent in gnomAD. In ClinVar, this variant has been interpreted as likely pathogenic by an expert panel (ClinVar ID: 581080). Frameshift variants in ACADVL are expected to be pathogenic. This variant is interpreted as pathogenic.

Labcorp Genetics (formerly Invitae), Labcorp
Classification: Pathogenic for Very long chain acyl-CoA dehydrogenase deficiency. Last evaluated: 2025-02-13. Review status: criteria provided, single submitter. Criteria: Invitae Variant Classification Sherloc (09022015). Collection method: clinical testing. Allele origin: germline. Not counted in ClinVar's aggregate classification.
Comment: This sequence change creates a premature translational stop signal (p.Ile228Argfs*35) in the ACADVL gene. It is expected to result in an absent or disrupted protein product. Loss-of-function variants in ACADVL are known to be pathogenic (PMID: 9973285, 11590124). This variant is present in population databases (rs746860401, gnomAD 0.01%). This premature translational stop signal has been observed in individual(s) with clinical features of very long-chain acyl-CoA dehydrogenase deficiency (internal data). ClinVar contains an entry for this variant (Variation ID: 581080). For these reasons, this variant has been classified as Pathogenic.

GeneDx
Classification: Pathogenic. Last evaluated: 2024-03-21. Review status: criteria provided, single submitter. Criteria: GeneDx Variant Classification Process June 2021. Collection method: clinical testing. Allele origin: germline. Affected: yes. Not counted in ClinVar's aggregate classification.
Comment: Has not been previously published as pathogenic or benign to our knowledge; Frameshift variant predicted to result in protein truncation or nonsense mediated decay in a gene for which loss of function is a known mechanism of disease; Not observed at significant frequency in large population cohorts (gnomAD)

Baylor Genetics
Classification: Likely pathogenic for Very long chain acyl-CoA dehydrogenase deficiency. Last evaluated: 2023-06-05. Review status: criteria provided, single submitter. Criteria: ACMG Guidelines, 2015. Collection method: clinical testing. Allele origin: unknown. Not counted in ClinVar's aggregate classification.

Wong Mito Lab, Molecular and Human Genetics, Baylor College of Medicine
Classification: Pathogenic for Very long chain acyl-CoA dehydrogenase deficiency. Last evaluated: 2019-11-01. Review status: criteria provided, single submitter. Criteria: ACMG Guidelines, 2015. Collection method: clinical testing. Allele origin: germline. Not counted in ClinVar's aggregate classification.
Comment: The NM_000018.3:c.652_682dup31 (NP_000009.1:p.Ile228ArgfsTer35) [GRCH38: NC_000017.11:g.7221981_7222011dup] variant in ACADVL gene is interpretated to be Pathogenic based on ACMG guidelines (PMID: 25741868). This variant has been reported. This variant meets the following evidence codes reported in the ACMG guidelines: PVS1, PS3

Literature cited by the submitters: PubMed 9973285 (cited by Labcorp Genetics (formerly Invitae), Labcorp); PubMed 11590124 (cited by Labcorp Genetics (formerly Invitae), Labcorp).

NM_000018.4(ACADVL):c.652_682dup (p.Ile228fs)

Gene: ACADVL (acyl-CoA dehydrogenase very long chain; plus strand). Cytogenetic location: 17p13.1.
Variant type: Duplication.
Coding change: c.652_682dup on transcript NM_000018.4 (MANE Select); coding-DNA positions 652 to 682, 31 bases duplicated.
Protein change: p.Ile228fs; shifts the reading frame from isoleucine 228.
Molecular consequence: frameshift variant.
Genome position (GRCh38, 1-based): chr17:7,221,981-7,222,011, 31 bases duplicated. GRCh37 (hg19): chr17:7,125,300-7,125,330.
Other names: NM_000018.4(ACADVL):c.652_682dup; p.Ile228fs; c.586_616dup, p.Ile206fs (NM_001033859.3); c.721_751dup, p.Ile251fs (NM_001270447.2); c.424_454dup, p.Ile152fs (NM_001270448.2); c.652_682dup (NM_000018.2); short protein forms I152fs, I228fs, I206fs, I251fs.
Identifiers: ClinVar variation 581080 (VCV000581080.15), dbSNP rs746860401, ClinGen allele CA8337802.
Genomic context (GRCh38, chr17:7,221,980, plus strand): 5'-AACTTGGGGTAAAGTAGCTCTCTCCCCAACAGGGGAGACTGTGGCCGCTTTCTGTCTAAC[C>CGAGCCCTCAAGCGGGTCAGATGCAGCCTCCA]GAGCCCTCAAGCGGGTCAGATGCAGCCTCCATCCGAACCTCTGCTGTGCCCAGCCCCTGT-3'